The following is an entry in ClinVar:

NM_022168.4(IFIH1):c.2483G>T (p.Ser828Ile)

Gene: IFIH1 (interferon induced with helicase C domain 1; minus strand). Cytogenetic location: 2q24.2.
Variant type: single nucleotide variant.
Coding change: c.2483G>T on transcript NM_022168.4 (MANE Select); coding-DNA position 2483, G replaced by T.
Protein change: p.Ser828Ile; replaces serine 828 with isoleucine.
Molecular consequence: missense variant.
Genome position (GRCh38, 1-based): chr2:162,272,359, C>A on the plus strand (G>T on the coding strand, the complement: IFIH1 is on the minus strand). VCF-style: chr2-162272359-C-A. GRCh37 (hg19) VCF-style: chr2-163128869-C-A.
Other names: short protein forms S828I.
Identifiers: ClinVar variation 2938371 (VCV002938371.3), dbSNP rs372817657, ClinGen allele CA348994499.

ClinVar aggregate classification (germline): Uncertain significance (1 of 4 stars; one submission).

Conditions:
Aicardi-Goutieres syndrome 7 (AGS7). Identifiers: Orphanet 51, MedGen C3888244, MONDO:0014367, OMIM 615846.
Singleton-Merten syndrome 1 (SGMRT1). Also called: Widened medullary cavities of bone, aortic calcification, abnormal dentition, and muscular weakness; Syndrome of widened medullary cavities of the metacarpals and phalanges, aortic calcification and abnormal dentition. Identifiers: Orphanet 85191, MedGen C4225427, MONDO:0024535, OMIM 182250.

gnomAD v4.1: 3 of 1,613,316 alleles (0.00019%); highest among the groups gnomAD compares: Non-Finnish European, 0.00025%; no homozygotes.

Submission:

Labcorp Genetics (formerly Invitae), Labcorp
Classification: Uncertain significance for Aicardi-Goutieres syndrome 7; Singleton-Merten syndrome 1. Last evaluated: 2025-03-18. Review status: criteria provided, single submitter. Criteria: Invitae Variant Classification Sherloc (09022015). Collection method: clinical testing. Allele origin: germline.
Comment: This sequence change replaces serine, which is neutral and polar, with isoleucine, which is neutral and non-polar, at codon 828 of the IFIH1 protein (p.Ser828Ile). This variant is not present in population databases (gnomAD no frequency). This variant has not been reported in the literature in individuals affected with IFIH1-related conditions. ClinVar contains an entry for this variant (Variation ID: 2938371). Invitae Evidence Modeling of protein sequence and biophysical properties (such as structural, functional, and spatial information, amino acid conservation, physicochemical variation, residue mobility, and thermodynamic stability) has been performed for this missense variant. However, the output from this modeling did not meet the statistical confidence thresholds required to predict the impact of this variant on IFIH1 protein function. In summary, the available evidence is currently insufficient to determine the role of this variant in disease. Therefore, it has been classified as a Variant of Uncertain Significance.